The following is an entry in ClinVar:

NM_001369.3(DNAH5):c.2225G>A (p.Arg742Gln)

Genes: DNAH5 (dynein axonemal heavy chain 5; minus strand), DNAH5-AS1 (DNAH5 antisense RNA 1; plus strand). Cytogenetic location: 5p15.2.
Variant type: single nucleotide variant.
Coding change: c.2225G>A on transcript NM_001369.3 (MANE Select); coding-DNA position 2225, G replaced by A.
Protein change: p.Arg742Gln; replaces arginine 742 with glutamine.
Molecular consequence: missense variant.
Genome position (GRCh38, 1-based): chr5:13,900,240, C>T on the plus strand (G>A on the coding strand, the complement: DNAH5 is on the minus strand). VCF-style: chr5-13900240-C-T. GRCh37 (hg19) VCF-style: chr5-13900349-C-T.
Other names: short protein forms R742Q.
Identifiers: ClinVar variation 2628682 (VCV002628682.4), dbSNP rs560939419, ClinGen allele CA3204640.

ClinVar aggregate classification (germline): Conflicting classifications of pathogenicity. Review status: criteria provided, conflicting classifications (1 of 4 stars). 2 submissions from 2 submitters: Uncertain significance (1); Likely benign (1). Last evaluated 2023-10-04.

Conditions:
DNAH5-related disorder. Also called: DNAH5-related condition.
Primary ciliary dyskinesia. Also called: Ciliary dyskinesia. Identifiers: Orphanet 244, MedGen C0008780, MONDO:0016575, HP:0012265.

Allele frequency attached by ClinVar (database versions not stated): TOPMed 0.00001; ExAC 0.00002; gnomAD 0.00002; gnomAD exomes 0.00002; 1000 Genomes Project 0.00040; 1000 Genomes Project 30x 0.00047.
gnomAD v4.1: 26 of 1,614,086 alleles (0.0016%); highest among the groups gnomAD compares: Admixed American, 0.005%; no homozygotes.

Submissions (2):

Labcorp Genetics (formerly Invitae), Labcorp
Classification: Likely benign for Primary ciliary dyskinesia. Last evaluated: 2023-10-04. Review status: criteria provided, single submitter. Criteria: Invitae Variant Classification Sherloc (09022015). Collection method: clinical testing. Allele origin: germline.

PreventionGenetics, part of Exact Sciences
Classification: Uncertain significance for DNAH5-related condition. Last evaluated: 2023-05-29. Review status: criteria provided, single submitter. Criteria: ACMG Guidelines, 2015. Collection method: clinical testing. Allele origin: germline.
Comment: The DNAH5 c.2225G>A variant is predicted to result in the amino acid substitution p.Arg742Gln. To our knowledge, this variant has not been reported in the literature. This variant is reported in 0.0058% of alleles in individuals of Latino descent in gnomAD. At this time, the clinical significance of this variant is uncertain due to the absence of conclusive functional and genetic evidence.